The following is an entry in ClinVar:

ClinVar aggregate classification (germline): Uncertain significance (1 of 4 stars; one submission).

Conditions:
TLE3-related condition.

Submission:

PreventionGenetics, part of Exact Sciences
Classification: Uncertain significance for TLE3-related condition. Last evaluated: 2026-04-24. Review status: criteria provided, single submitter. Criteria: ACMG Guidelines, 2015. Collection method: clinical testing. Allele origin: germline.
Comment: The TLE3 c.472C>A variant is predicted to result in the amino acid substitution p.Pro158Thr. To our knowledge, this variant has not been reported in the literature or in a large population database (gnomAD), indicating this variant is rare. At this time, the clinical significance of this variant is uncertain due to the absence of conclusive functional and genetic evidence.

NM_001105192.3(TLE3):c.472C>A (p.Pro158Thr)

Gene: TLE3 (TLE family member 3, transcriptional corepressor; minus strand). Cytogenetic location: 15q23.
Variant type: single nucleotide variant.
Coding change: c.472C>A on transcript NM_001105192.3 (MANE Select); coding-DNA position 472, C replaced by A.
Protein change: p.Pro158Thr; replaces proline 158 with threonine.
Molecular consequence: missense variant.
Genome position (GRCh38, 1-based): chr15:70,066,119, G>T on the plus strand (C>A on the coding strand, the complement: TLE3 is on the minus strand). VCF-style: chr15-70066119-G-T. GRCh37 (hg19) VCF-style: chr15-70358458-G-T.
Other names: c.472C>A, p.Pro158Thr (NM_001282979.2, NM_001282980.2, NM_001438838.1 and 2 more transcripts); c.451C>A, p.Pro151Thr (NM_001282981.2); c.304C>A, p.Pro102Thr (NM_001282982.2); c.502C>A, p.Pro168Thr (NM_001438147.1, NM_001438148.1); c.469C>A, p.Pro157Thr (NM_001438836.1, NM_001438837.1); short protein forms P102T, P158T, P168T, P151T, P157T.
Identifiers: ClinVar variation 4994466 (VCV004994466.1).